The following is an entry in ClinVar:

NC_000002.11:g.(?_17901486)_(17963206_?)dup

Genes: GEN1 (GEN1 Holliday junction 5' flap endonuclease; plus strand), SMC6 (structural maintenance of chromosomes 6; minus strand). Cytogenetic location: 2p24.2.
Variant type: Duplication.
Identifiers: ClinVar variation 3247604 (VCV003247604.1).

ClinVar aggregate classification (germline): Uncertain significance (1 of 4 stars; one submission).

Submission:

Labcorp Genetics (formerly Invitae), Labcorp
Classification: Uncertain significance. Last evaluated: 2023-03-08. Review status: criteria provided, single submitter. Criteria: Invitae Variant Classification Sherloc (09022015). Collection method: clinical testing. Allele origin: unknown.
Comment: In summary, the available evidence is currently insufficient to determine the role of this variant in disease. Therefore, it has been classified as a Variant of Uncertain Significance. Experimental studies and prediction algorithms are not available or were not evaluated, and the functional significance of this variant is currently unknown. This variant has not been reported in the literature in individuals affected with GEN1-related conditions. A copy number gain of the genomic region encompassing the full coding sequence of the GEN1 gene has been identified. The boundaries of this event are unknown as they extend beyond the assayed region for this gene and therefore may encompass additional genes. As the precise location of this event is unknown, it may be in tandem or it may be located elsewhere in the genome.